The following is an entry in ClinVar:

NM_133433.4(NIPBL):c.3286A>G (p.Ser1096Gly)

Gene: NIPBL (NIPBL cohesin loading factor; plus strand). Cytogenetic location: 5p13.2.
Variant type: single nucleotide variant.
Coding change: c.3286A>G on transcript NM_133433.4 (MANE Select); coding-DNA position 3286, A replaced by G.
Protein change: p.Ser1096Gly; replaces serine 1096 with glycine.
Molecular consequence: missense variant.
Genome position (GRCh38, 1-based): chr5:36,995,786, A>G. VCF-style: chr5-36995786-A-G. GRCh37 (hg19) VCF-style: chr5-36995888-A-G.
Other names: c.3286A>G, p.Ser1096Gly (NM_015384.5); short protein forms S1096G.
Identifiers: ClinVar variation 2655421 (VCV002655421.24), dbSNP rs1746076024, ClinGen allele CA359514280.

ClinVar aggregate classification (germline): Uncertain significance (1 of 4 stars; one submission).

Allele frequency attached by ClinVar (database versions not stated): gnomAD exomes below 0.00001.
gnomAD v4.1: 4 of 1,613,316 alleles (0.00025%); highest among the groups gnomAD compares: East Asian, 0.0089%; no homozygotes.

Submission:

CeGaT Center for Human Genetics Tuebingen
Classification: Uncertain significance. Last evaluated: 2023-05-01. Review status: criteria provided, single submitter. Criteria: CeGaT Center For Human Genetics Tuebingen Variant Classification Criteria Version 2. Collection method: clinical testing. Allele origin: germline. Affected: yes. Observed: 1 variant allele.
Comment: NIPBL: PM2